The following is an entry in ClinVar:

NM_000548.5(TSC2):c.2545+244C>G

Gene: TSC2 (TSC complex subunit 2; plus strand). Cytogenetic location: 16p13.3.
Variant type: single nucleotide variant.
Coding change: c.2545+244C>G on transcript NM_000548.5 (MANE Select); 244 bases into the intron after coding-DNA position 2545, C replaced by G.
Molecular consequence: intron variant.
Genome position (GRCh38, 1-based): chr16:2,074,633, C>G. VCF-style: chr16-2074633-C-G. GRCh37 (hg19) VCF-style: chr16-2124634-C-G.
Other names: c.2545+244C>G (NM_001114382.3, NM_021055.3, NM_001370405.1 and 3 more transcripts); c.2434+244C>G (NM_001318827.2); c.1945+244C>G (NM_001318831.2); c.2398+244C>G (NM_001318829.2); c.2578+244C>G (NM_001318832.2).
Identifiers: ClinVar variation 1198990 (VCV001198990.4), dbSNP rs143553665, ClinGen allele CA276741089.

ClinVar aggregate classification (germline): Benign/Likely benign. Review status: criteria provided, multiple submitters, no conflicts (2 of 4 stars). 2 submissions from 2 submitters: Benign (1); Likely benign (1). Last evaluated 2026-02-09.

Conditions:
Tuberous sclerosis 2 (TSC2). Identifiers: Orphanet 805, MedGen C1860707, MONDO:0013199, OMIM 613254.

Allele frequency attached by ClinVar (database versions not stated): 1000 Genomes Project 0.00339; 1000 Genomes Project 30x 0.00359.
gnomAD v4.1: 799 of 575,958 alleles (0.14%); highest among the groups gnomAD compares: African/African-American, 1.3%; 2 homozygotes.

Submissions (2):

Dasa
Classification: Benign for Tuberous sclerosis 2. Last evaluated: 2026-02-09. Review status: criteria provided, single submitter. Criteria: DASA Assertion Criteria. Collection method: clinical testing. Allele origin: germline.
Comment: NM_000548.5(TSC2):c.2545+244C>G is an intronic variant. Population frequency is inconsistent with a disease-causing role for this variant, observations in unaffected individuals support a benign interpretation, and the variant context is inconsistent with a known disease-causing mechanism. Therefore, based on the currently available evidence, this variant is classified as benign.

GeneDx
Classification: Likely benign. Last evaluated: 2018-07-09. Review status: criteria provided, single submitter. Criteria: GeneDx Variant Classification Process June 2021. Collection method: clinical testing. Allele origin: germline. Affected: yes.